The following is an entry in ClinVar:

NM_182914.3(SYNE2):c.16607A>G (p.Asn5536Ser)

Gene: SYNE2 (spectrin repeat containing nuclear envelope protein 2; plus strand). Cytogenetic location: 14q23.2.
Variant type: single nucleotide variant.
Coding change: c.16607A>G on transcript NM_182914.3 (MANE Select); coding-DNA position 16607, A replaced by G.
Protein change: p.Asn5536Ser; replaces asparagine 5536 with serine.
Molecular consequence: missense variant.
Genome position (GRCh38, 1-based): chr14:64,167,234, A>G. VCF-style: chr14-64167234-A-G. GRCh37 (hg19) VCF-style: chr14-64633952-A-G.
Other names: c.16607A>G, p.Asn5536Ser (NM_015180.6); short protein forms N5536S.
Identifiers: ClinVar variation 2418523 (VCV002418523.4), dbSNP rs769208120, ClinGen allele CA7223441.
Genomic context (GRCh38, chr14:64,167,234, plus strand): 5'-TTGTCATCTAGATATCTTATTGGCATCCAAAAACCTGTACTTCAATTTTTTAAAAATAGA[A>G]TCATGTGCTGGCACTGACAGCCCAATCACCTGATATTGAACATTTGAATGAAGTGAGCCT-3'
Protein context (NP_878918.2, residues 5526-5546): QEKENPDSFL[Asn5536Ser]HVLALTAQSP

ClinVar aggregate classification (germline): Uncertain significance (1 of 4 stars; one submission).

Conditions:
Emery-Dreifuss muscular dystrophy 5, autosomal dominant (EDMD5). Also called: EMERY-DREIFUSS MUSCULAR DYSTROPHY 5. Identifiers: Orphanet 261, MedGen C2751805, MONDO:0013072, OMIM 612999.

Allele frequency attached by ClinVar (database versions not stated): gnomAD exomes below 0.00001; ExAC 0.00001; TOPMed 0.00001.
gnomAD v4.1: 3 of 1,614,200 alleles (0.00019%); highest among the groups gnomAD compares: Admixed American, 0.0017%; no homozygotes.

Submission:

Labcorp Genetics (formerly Invitae), Labcorp
Classification: Uncertain significance for Emery-Dreifuss muscular dystrophy 5, autosomal dominant. Last evaluated: 2022-08-16. Review status: criteria provided, single submitter. Criteria: Invitae Variant Classification Sherloc (09022015). Collection method: clinical testing. Allele origin: germline.
Comment: Algorithms developed to predict the effect of missense changes on protein structure and function (SIFT, PolyPhen-2, Align-GVGD) all suggest that this variant is likely to be tolerated. This variant has not been reported in the literature in individuals affected with SYNE2-related conditions. This variant is present in population databases (rs769208120, gnomAD 0.003%). This sequence change replaces asparagine, which is neutral and polar, with serine, which is neutral and polar, at codon 5536 of the SYNE2 protein (p.Asn5536Ser). Algorithms developed to predict the effect of sequence changes on RNA splicing suggest that this variant may create or strengthen a splice site. In summary, the available evidence is currently insufficient to determine the role of this variant in disease. Therefore, it has been classified as a Variant of Uncertain Significance.